The following is an entry in ClinVar:

NM_006208.3(ENPP1):c.2315T>C (p.Ile772Thr)

Gene: ENPP1 (ectonucleotide pyrophosphatase/phosphodiesterase 1; plus strand). Cytogenetic location: 6q23.2.
Variant type: single nucleotide variant.
Coding change: c.2315T>C on transcript NM_006208.3 (MANE Select); coding-DNA position 2315, T replaced by C.
Protein change: p.Ile772Thr; replaces isoleucine 772 with threonine.
Molecular consequence: missense variant.
Genome position (GRCh38, 1-based): chr6:131,884,934, T>C. VCF-style: chr6-131884934-T-C. GRCh37 (hg19) VCF-style: chr6-132206074-T-C.
Other names: short protein forms I772T.
Identifiers: ClinVar variation 4759974 (VCV004759974.1).

ClinVar aggregate classification (germline): Uncertain significance (1 of 4 stars; one submission).

Submission:

Labcorp Genetics (formerly Invitae), Labcorp
Classification: Uncertain significance. Last evaluated: 2025-06-29. Review status: criteria provided, single submitter. Criteria: Invitae Variant Classification Sherloc (09022015). Collection method: clinical testing. Allele origin: germline.
Comment: This sequence change replaces isoleucine, which is neutral and non-polar, with threonine, which is neutral and polar, at codon 772 of the ENPP1 protein (p.Ile772Thr). This variant is not present in population databases (gnomAD no frequency). This variant has not been reported in the literature in individuals affected with ENPP1-related conditions. Invitae Evidence Modeling of protein sequence and biophysical properties (such as structural, functional, and spatial information, amino acid conservation, physicochemical variation, residue mobility, and thermodynamic stability) indicates that this missense variant is expected to disrupt ENPP1 protein function with a positive predictive value of 80%. In summary, the available evidence is currently insufficient to determine the role of this variant in disease. Therefore, it has been classified as a Variant of Uncertain Significance.